The following is an entry in ClinVar:

ClinVar aggregate classification (germline): Uncertain significance (1 of 4 stars; one submission).

gnomAD v4.1: 5 of 697,750 alleles (0.00072%); highest among the groups gnomAD compares: South Asian, 0.003%; no homozygotes.

Submission:

Labcorp Genetics (formerly Invitae), Labcorp
Classification: Uncertain significance. Last evaluated: 2022-10-05. Review status: criteria provided, single submitter. Criteria: Invitae Variant Classification Sherloc (09022015). Collection method: clinical testing. Allele origin: germline.
Comment: This variant occurs in the RNU4ATAC gene, which encodes an RNA molecule that does not result in a protein product. This variant is present in population databases (rs779143800, gnomAD 0.01%). This variant has been observed in individual(s) with RNU4ATAC-related conditions (PMID: 29370840). This variant is located within the 5' stem-loop region of the RNU4ATAC RNA, which includes the 15.5K binding site and is important for spliceosome assembly (PMID: 32628740). A significant number of disease-associated RNU4ATAC variants are found in this region (PMID: 32628740, 30368667). In summary, the available evidence is currently insufficient to determine the role of this variant in disease. Therefore, it has been classified as a Variant of Uncertain Significance.

Literature cited by the submitters: PubMed 29370840; PubMed 32628740; PubMed 30368667.

NC_000002.12:g.121530908T>C

Genes: CLASP1-AS1 (CLASP1 antisense RNA 1; plus strand), RNU4ATAC (RNA, U4atac small nuclear; plus strand), CLASP1 (cytoplasmic linker associated protein 1; minus strand). Cytogenetic location: 2q14.2.
Variant type: single nucleotide variant.
Molecular consequence: intron variant (on NM_001395891.1).
Genome position: GRCh38 VCF-style: chr2-121530908-T-C. GRCh37 (hg19) VCF-style: chr2-122288484-T-C.
Other names: c.196-583A>G (NM_015282.3, NM_001378003.1, NM_001395891.1 and 5 more transcripts).
Identifiers: ClinVar variation 2151941 (VCV002151941.1), dbSNP rs779143800, ClinGen allele CA54810804.